The following is an entry in ClinVar:

ClinVar aggregate classification (germline): Uncertain significance (1 of 4 stars; one submission).

Conditions:
Bardet-Biedl syndrome (BBS). Identifiers: Orphanet 110, MedGen C0752166, MONDO:0015229.

Allele frequency attached by ClinVar (database versions not stated): gnomAD exomes below 0.00001; gnomAD 0.00001.
gnomAD v4.1: 1 of 1,613,744 alleles (0.000062%); highest among the groups gnomAD compares: Non-Finnish European, 0.000085%; no homozygotes.

Submission:

Labcorp Genetics (formerly Invitae), Labcorp
Classification: Uncertain significance for Bardet-Biedl syndrome. Last evaluated: 2021-02-14. Review status: criteria provided, single submitter. Criteria: Invitae Variant Classification Sherloc (09022015). Collection method: clinical testing. Allele origin: germline.
Comment: In summary, the available evidence is currently insufficient to determine the role of this variant in disease. Therefore, it has been classified as a Variant of Uncertain Significance. Algorithms developed to predict the effect of missense changes on protein structure and function (SIFT, PolyPhen-2, Align-GVGD) all suggest that this variant is likely to be tolerated, but these predictions have not been confirmed by published functional studies and their clinical significance is uncertain. This variant has not been reported in the literature in individuals with BBS7-related conditions. This variant is not present in population databases (ExAC no frequency). This sequence change replaces aspartic acid with glutamic acid at codon 262 of the BBS7 protein (p.Asp262Glu). The aspartic acid residue is highly conserved and there is a small physicochemical difference between aspartic acid and glutamic acid.

NM_176824.3(BBS7):c.786T>A (p.Asp262Glu)

Gene: BBS7 (Bardet-Biedl syndrome 7; minus strand). Cytogenetic location: 4q27.
Variant type: single nucleotide variant.
Coding change: c.786T>A on transcript NM_176824.3 (MANE Select); coding-DNA position 786, T replaced by A.
Protein change: p.Asp262Glu; replaces aspartic acid 262 with glutamic acid.
Molecular consequence: missense variant.
Genome position (GRCh38, 1-based): chr4:121,853,019, A>T on the plus strand (T>A on the coding strand, the complement: BBS7 is on the minus strand). VCF-style: chr4-121853019-A-T. GRCh37 (hg19) VCF-style: chr4-122774174-A-T.
Other names: c.786T>A, p.Asp262Glu (NM_018190.4); short protein forms D262E.
Identifiers: ClinVar variation 1509880 (VCV001509880.8), dbSNP rs1437278443, ClinGen allele CA358064409.